The following is an entry in ClinVar:

NM_001244008.2(KIF1A):c.2971A>G (p.Ile991Val)

Gene: KIF1A (kinesin family member 1A; minus strand). Cytogenetic location: 2q37.3.
Variant type: single nucleotide variant.
Coding change: c.2971A>G on transcript NM_001244008.2 (MANE Select); coding-DNA position 2971, A replaced by G.
Protein change: p.Ile991Val; replaces isoleucine 991 with valine.
Molecular consequence: missense variant.
Genome position (GRCh38, 1-based): chr2:240,750,435, T>C on the plus strand (A>G on the coding strand, the complement: KIF1A is on the minus strand). VCF-style: chr2-240750435-T-C. GRCh37 (hg19) VCF-style: chr2-241689852-T-C.
Other names: c.2695A>G, p.Ile899Val (NM_001320705.2, NM_001330289.2, NM_001379638.1); c.2770A>G, p.Ile924Val (NM_001330290.2, NM_001379634.1, NM_001379635.1 and 1 more transcripts); c.3046A>G, p.Ile1016Val (NM_001379631.1); c.2920A>G, p.Ile974Val (NM_001379632.1); c.2944A>G, p.Ile982Val (NM_001379633.1, NM_001379642.1, NM_001379645.1); c.2668A>G, p.Ile890Val (NM_001379636.1, NM_001379639.1, NM_001379640.1 and 6 more transcripts); c.2743A>G, p.Ile915Val (NM_001379637.1, NM_001379648.1); short protein forms I915V, I974V, I890V, I924V, I982V, I1016V, I991V, I899V.
Identifiers: ClinVar variation 1376160 (VCV001376160.6), dbSNP rs2125824773, ClinGen allele CA351319951.
Genomic context (GRCh38, chr2:240,750,435, plus strand): 5'-CAGAGCCAGCCCCAGGGGCTCCAATGCCACACACGGCCTTTGGCCCACACGCACCTGAGA[T>C]GGCCTGGACGGCCACGCGGAGGAAGCCCTTCACCTCGCCCTTCTCGCTGACGATTGCCAC-3'
Protein context (NP_001230937.1, residues 981-1001): KGFLRVAVQA[Ile991Val]SADEEAPDYG

ClinVar aggregate classification (germline): Uncertain significance (1 of 4 stars; one submission).

Conditions:
Hereditary spastic paraplegia 30. Identifiers: Orphanet 101010, MedGen C5235139, MONDO:0012476.
Neuropathy, hereditary sensory, type 2C. Also called: Hereditary sensory and autonomic neuropathy type IIC; KIF1A-Related HSAN2 (HSAN2C). Identifiers: Orphanet 970, MedGen C3280168, MONDO:0013634, OMIM 614213.
Intellectual disability, autosomal dominant 9 (NESCAVS). Also called: NESCAV SYNDROME; KIF1A-Related Neurodevelopmental Disorder. Identifiers: Orphanet 662367, MedGen C5393830, MONDO:0013656, OMIM 614255.

Allele frequency attached by ClinVar (database versions not stated): gnomAD exomes below 0.00001.
gnomAD v4.1: 1 of 1,612,842 alleles (0.000062%); highest among the groups gnomAD compares: Non-Finnish European, 0.000085%; no homozygotes.

Submission:

Labcorp Genetics (formerly Invitae), Labcorp
Classification: Uncertain significance for Hereditary spastic paraplegia 30; Neuropathy, hereditary sensory, type 2C; Intellectual disability, autosomal dominant 9. Last evaluated: 2021-08-19. Review status: criteria provided, single submitter. Criteria: Invitae Variant Classification Sherloc (09022015). Collection method: clinical testing. Allele origin: germline.
Comment: In summary, the available evidence is currently insufficient to determine the role of this variant in disease. Therefore, it has been classified as a Variant of Uncertain Significance. Advanced modeling of protein sequence and biophysical properties (such as structural, functional, and spatial information, amino acid conservation, physicochemical variation, residue mobility, and thermodynamic stability) performed at Invitae indicates that this missense variant is not expected to disrupt KIF1A protein function. This variant has not been reported in the literature in individuals affected with KIF1A-related conditions. This variant is not present in population databases (ExAC no frequency). This sequence change replaces isoleucine with valine at codon 890 of the KIF1A protein (p.Ile890Val). The isoleucine residue is moderately conserved and there is a small physicochemical difference between isoleucine and valine.